The following is an entry in ClinVar:

NM_000465.4(BARD1):c.2044A>C (p.Thr682Pro)

Gene: BARD1 (BRCA1 associated RING domain 1; minus strand). Cytogenetic location: 2q35.
Variant type: single nucleotide variant.
Coding change: c.2044A>C on transcript NM_000465.4 (MANE Select); coding-DNA position 2044, A replaced by C.
Protein change: p.Thr682Pro; replaces threonine 682 with proline.
Molecular consequence: missense variant. On other transcripts: non-coding transcript variant (3).
Genome position (GRCh38, 1-based): chr2:214,728,966, T>G on the plus strand (A>C on the coding strand, the complement: BARD1 is on the minus strand). VCF-style: chr2-214728966-T-G. GRCh37 (hg19) VCF-style: chr2-215593690-T-G.
Other names: c.1987A>C, p.Thr663Pro (NM_001282543.2); c.691A>C, p.Thr231Pro (NM_001282545.2); c.634A>C, p.Thr212Pro (NM_001282548.2); c.505A>C, p.Thr169Pro (NM_001282549.2); short protein forms T663P, T682P, T169P, T212P, T231P.
Identifiers: ClinVar variation 655772 (VCV000655772.9), dbSNP rs749485640, ClinGen allele CA350450736.
Genomic context (GRCh38, chr2:214,728,966, plus strand): 5'-TCTGGCCCCCACCTGCAGTGACGAGCTTAATAAGGTTGTCCTTTGGATGGTGTTTGAAGG[T>G]TCCCCACAAATAGAAGTAGCATCCATCAAACAGCTTTGGCAACTGAAATAATGAGAAAAC-3'
Protein context (NP_000456.2, residues 672-692): FDGCYFYLWG[Thr682Pro]FKHHPKDNLI

ClinVar aggregate classification (germline): Uncertain significance (1 of 4 stars; one submission).

Conditions:
Familial cancer of breast. Also called: Hereditary breast cancer; hereditary breast carcinoma; BREAST CANCER, FAMILIAL. Identifiers: Orphanet 227535, MedGen C0346153, MONDO:0016419, OMIM 114480. Disease mechanism: loss of function.

Allele frequency attached by ClinVar (database versions not stated): TOPMed below 0.00001.

Submission:

Labcorp Genetics (formerly Invitae), Labcorp
Classification: Uncertain significance for Familial cancer of breast. Last evaluated: 2025-07-31. Review status: criteria provided, single submitter. Criteria: Invitae Variant Classification Sherloc (09022015). Collection method: clinical testing. Allele origin: germline.
Comment: This sequence change replaces threonine, which is neutral and polar, with proline, which is neutral and non-polar, at codon 682 of the BARD1 protein (p.Thr682Pro). This variant is not present in population databases (gnomAD no frequency). This variant has not been reported in the literature in individuals affected with BARD1-related conditions. ClinVar contains an entry for this variant (Variation ID: 655772). An algorithm developed to predict the effect of missense changes on protein structure and function outputs the following: PolyPhen-2: "Benign". The proline amino acid residue is found in multiple mammalian species, which suggests that this missense change does not adversely affect protein function. In summary, the available evidence is currently insufficient to determine the role of this variant in disease. Therefore, it has been classified as a Variant of Uncertain Significance.